The following is an entry in ClinVar:

NM_001134831.2(AHI1):c.3474del (p.Glu1158fs)

Gene: AHI1 (Abelson helper integration site 1; minus strand). Cytogenetic location: 6q23.3.
Variant type: Deletion.
Coding change: c.3474del on transcript NM_001134831.2 (MANE Select); coding-DNA position 3474, one base deleted (A; older notation c.3474delA).
Protein change: p.Glu1158fs; shifts the reading frame from glutamic acid 1158.
Molecular consequence: frameshift variant.
Genome position (GRCh38, 1-based): chr6:135,300,511, T deleted on the plus strand (A on the coding strand, the reverse complement: AHI1 is on the minus strand); the first of 2 consecutive T bases (chr6:135,300,511-135,300,512); deleting either gives the same sequence. VCF-style (leftmost placement, unchanged base first): chr6-135300510-AT-A. GRCh37 (hg19) VCF-style: chr6-135621648-AT-A.
Other names: c.3474del (NM_017651.4); c.3474del, p.Glu1158fs (NM_001134830.2, NM_001350503.2, NM_001350504.2 and 1 more transcripts); short protein forms E1158fs.
Identifiers: ClinVar variation 2783708 (VCV002783708.4), dbSNP rs916567564, ClinGen allele CA148531299.

ClinVar aggregate classification (germline): Pathogenic/Likely pathogenic. Review status: criteria provided, multiple submitters, no conflicts (2 of 4 stars). 2 submissions from 2 submitters: Pathogenic (1); Likely pathogenic (1). Last evaluated 2024-05-04.

Conditions:
Joubert syndrome. Also called: CEREBELLOPARENCHYMAL DISORDER IV; JOUBERT-BOLTSHAUSER SYNDROME; Familial aplasia of the vermis. Identifiers: Orphanet 475, MedGen C5979921, MONDO:0018772.
Joubert syndrome 3 (JBTS3). Also called: AHI1-related Ciliopathy. Identifiers: Orphanet 220493, MedGen C1837713, MONDO:0012078, OMIM 608629.

Submissions (2):

Fulgent Genetics
Classification: Likely pathogenic for Joubert syndrome 3. Last evaluated: 2024-05-04. Review status: criteria provided, single submitter. Criteria: ACMG Guidelines, 2015. Collection method: clinical testing. Allele origin: germline.

Labcorp Genetics (formerly Invitae), Labcorp
Classification: Pathogenic for Joubert syndrome. Last evaluated: 2024-01-02. Review status: criteria provided, single submitter. Criteria: Invitae Variant Classification Sherloc (09022015). Collection method: clinical testing. Allele origin: germline.
Comment: This sequence change creates a premature translational stop signal (p.Glu1158Aspfs*3) in the AHI1 gene. It is expected to result in an absent or disrupted protein product. Loss-of-function variants in AHI1 are known to be pathogenic (PMID: 15322546, 16453322, 28442542, 29186038). This variant is not present in population databases (gnomAD no frequency). This variant has not been reported in the literature in individuals affected with AHI1-related conditions. For these reasons, this variant has been classified as Pathogenic.

Literature cited by the submitters: PubMed 15322546 (cited by Labcorp Genetics (formerly Invitae), Labcorp); PubMed 16453322 (cited by Labcorp Genetics (formerly Invitae), Labcorp); PubMed 28442542 (cited by Labcorp Genetics (formerly Invitae), Labcorp); PubMed 29186038 (cited by Labcorp Genetics (formerly Invitae), Labcorp).